The following is an entry in ClinVar:

NM_000343.4(SLC5A1):c.1845C>G (p.His615Gln)

Gene: SLC5A1 (solute carrier family 5 member 1; plus strand). Cytogenetic location: 22q12.3.
Variant type: single nucleotide variant.
Coding change: c.1845C>G on transcript NM_000343.4 (MANE Select); coding-DNA position 1845, C replaced by G.
Protein change: p.His615Gln; replaces histidine 615 with glutamine.
Molecular consequence: missense variant.
Genome position (GRCh38, 1-based): chr22:32,110,063, C>G. VCF-style: chr22-32110063-C-G. GRCh37 (hg19) VCF-style: chr22-32506050-C-G.
Other names: c.1464C>G, p.His488Gln (NM_001256314.2); short protein forms H615Q, H488Q.
Identifiers: ClinVar variation 341263 (VCV000341263.18), dbSNP rs33954001, ClinGen allele CA10198350.

ClinVar aggregate classification (germline): Benign. Review status: criteria provided, multiple submitters, no conflicts (2 of 4 stars). 5 submissions from 5 submitters: Benign (5). Last evaluated 2026-02-03.

Conditions:
Congenital glucose-galactose malabsorption (GGM). Also called: MONOSACCHARIDE MALABSORPTION; DIARRHEA 16. Identifiers: Orphanet 35710, MedGen C0268186, MONDO:0011731, OMIM 606824.

Allele frequency attached by ClinVar (database versions not stated): 1000 Genomes Project 0.02216; 1000 Genomes Project 30x 0.02405; TOPMed 0.04390; gnomAD 0.04760; ESP Exome Variant Server 0.05090.
gnomAD v4.1: 105,621 of 1,613,006 alleles (6.5%); highest among the groups gnomAD compares: Non-Finnish European, 7.7%; 3,936 homozygotes.

Submissions (5):

Labcorp Genetics (formerly Invitae), Labcorp
Classification: Benign for Congenital glucose-galactose malabsorption. Last evaluated: 2026-02-03. Review status: criteria provided, single submitter. Criteria: Invitae Variant Classification Sherloc (09022015). Collection method: clinical testing. Allele origin: germline.

Mayo Clinic Laboratories, Mayo Clinic
Classification: Benign. Last evaluated: 2024-05-07. Review status: criteria provided, single submitter. Criteria: ACMG Guidelines, 2015. Collection method: clinical testing. Allele origin: germline. Observed: 17 variant alleles.
Comment: BA1, BS2, BP4

Illumina Laboratory Services, Illumina
Classification: Benign for Congenital glucose-galactose malabsorption. Last evaluated: 2018-03-06. Review status: criteria provided, single submitter. Criteria: ICSL Variant Classification Criteria 13 December 2019. Collection method: clinical testing. Allele origin: germline.
Comment: This variant was observed in the ICSL laboratory as part of a predisposition screen in an ostensibly healthy population. It had not been previously curated by ICSL or reported in the Human Gene Mutation Database (HGMD: prior to June 1st, 2018), and was therefore a candidate for classification through an automated scoring system. Utilizing variant allele frequency, disease prevalence and penetrance estimates, and inheritance mode, an automated score was calculated to assess if this variant is too frequent to cause the disease. Based on the score and internal cut-off values, a variant classified as benign is not then subjected to further curation. The score for this variant resulted in a classification of benign for this disease.

Laboratory for Molecular Medicine, Mass General Brigham Personalized Medicine
Classification: Benign. Last evaluated: 2016-03-28. Review status: criteria provided, single submitter. Criteria: LMM Criteria. Collection method: clinical testing. Allele origin: germline.
Comment: Variant identified in a genome or exome case(s) and assessed due to predicted null impact of the variant or pathogenic assertions in the literature or databases. Disclaimer: This variant has not undergone full assessment. The following are preliminary notes: MAF

Breakthrough Genomics
Classification: Benign. Review status: criteria provided, single submitter. Criteria: ACMG Guidelines, 2015. Collection method: not provided. Allele origin: germline. Inheritance: Autosomal recessive inheritance. Affected: yes.